The following is an entry in ClinVar:

ClinVar aggregate classification (germline): Pathogenic/Likely pathogenic. Review status: criteria provided, multiple submitters, no conflicts (2 of 4 stars). 20 submissions from 20 submitters: Pathogenic (16); Likely pathogenic (2). 2 of the submissions do not count toward it. Last evaluated 2026-01-24.

Conditions:
ATP7B-related disorder. Also called: ATP7B-related condition.
Inborn genetic diseases. Identifiers: MedGen C0950123, MeSH D030342.
Wilson disease (WND). Also called: Wilson's disease. Identifiers: Orphanet 905, MedGen C0019202, MONDO:0010200, OMIM 277900. Disease mechanism: loss of function.

Allele frequency attached by ClinVar (database versions not stated): ExAC 0.00002; gnomAD exomes 0.00002 and 0.00004; ESP Exome Variant Server 0.00008; gnomAD 0.00008 and 0.00009; TOPMed 0.00013; 1000 Genomes Project 30x 0.00016; 1000 Genomes Project 0.00020.
gnomAD v4.1: 70 of 1,613,950 alleles (0.0043%); highest among the groups gnomAD compares: Admixed American, 0.02%; no homozygotes.

Submissions 1 to 10 of 20:

Labcorp Genetics (formerly Invitae), Labcorp
Classification: Pathogenic for Wilson disease. Last evaluated: 2026-01-24. Review status: criteria provided, single submitter. Criteria: Invitae Variant Classification Sherloc (09022015). Collection method: clinical testing. Allele origin: germline.
Comment: This sequence change affects an acceptor splice site in intron 11 of the ATP7B gene. RNA analysis indicates that disruption of this splice site induces altered splicing and likely results in a shortened protein product. The frequency data for this variant in the population databases is considered unreliable, as metrics indicate poor data quality at this position in the gnomAD database. Disruption of this splice site has been observed in individuals with Wilson disease (PMID: 9311736, 23518715; internal data). ClinVar contains an entry for this variant (Variation ID: 188725). Studies have shown that disruption of this splice site results in skipping of exon 12 and insertion of additional nucleotides, but is expected to preserve the integrity of the reading-frame (PMID: 9311736). For these reasons, this variant has been classified as Pathogenic.

Natera, Inc.
Classification: Pathogenic for Wilson disease. Last evaluated: 2025-10-12. Review status: criteria provided, single submitter. Criteria: Natera Variant Classification Schema (03/2026). Collection method: clinical testing. Allele origin: germline.
Comment: The c.2731-2A>G variant in ATP7B is a canonical splice acceptor site variant predicted to affect pre-mRNA splicing, which may result in an abnormal transcript and altered protein product. This variant is expected to result in nonsense mediated decay, truncation, or a dysfunctional protein product. This variant is rare in the general population with a frequency below the threshold expected for the associated phenotype(s). This variant has been observed in one or more individuals affected with the associated recessive disease, as either homozygous or compound heterozygous with a second variant (PMID: 23518715). Given the available evidence, this variant is classified as Pathogenic.

Color Diagnostics, LLC DBA Color Health
Classification: Pathogenic for Wilson disease. Last evaluated: 2025-07-28. Review status: criteria provided, single submitter. Criteria: ACMG Guidelines, 2015. Collection method: clinical testing. Allele origin: germline.
Comment: This variant causes an A to G nucleotide substitution at the -2 position of intron 11 of the ATP7B gene. This variant has been reported in over ten individuals affected with Wilson disease (PMID: 9311736, 22677543, 23518715, 24094725ClinVar: SCV000926218.1). In eight affected individuals, this variant has been determined to be homozygous or compound heterozygous with another pathogenic variant in the same gene, indicating that this variant contributes to Wilson disease in an autosomal recessive manner. RT-PCR analysis using cells derived from a homozygous individual revealed that this variant results in two aberrant transcripts, one with entire exon 12 (c.2731-2865) skipped and the other with in-frame insertion of 13 amino acids at the beginning of exon 12 due to the use of a cryptic acceptor site, 39-bp upstream from the native acceptor site (PMID: 9311736). This variant is expected to disrupt functionally important Actuator (phosphatase) domain (a.a. 786 - 917) and transmembrane M3 domain (a.a. 918 - 946). This variant has been identified in 7/279650 chromosomes in the general population by the Genome Aggregation Database (gnomAD). Based on the available evidence, this variant is classified as Pathogenic.

ARUP Laboratories, Molecular Genetics and Genomics, ARUP Laboratories
Classification: Pathogenic for Wilson disease. Last evaluated: 2025-03-27. Review status: criteria provided, single submitter. Criteria: ARUP Molecular Germline Variant Investigation Process 2024. Collection method: clinical testing. Allele origin: germline.
Comment: The ATP7B c.2731-2A>G variant (rs367956522, ClinVar Variation ID: 188725) is reported in the literature in multiple individuals affected with Wilson disease (Bost 2012, Coffey 2013, Mukherjee 2014, Shah 1997). This variant is found in the general population with an overall allele frequency of 0.002% (7/279650 alleles) in the Genome Aggregation Database (v2.1.1). This variant abolishes the canonical splice acceptor site of intron 11, and has been shown to alter splicing, causing an in-frame insertion of 39 nucleotides (Shah 1997), which is likely to disrupt gene function. Based on available information, this variant is considered to be pathogenic. REFERENCES Bost M et al. Molecular analysis of Wilson patients: direct sequencing and MLPA analysis in the ATP7B gene and Atox1 and COMMD1 gene analysis. J Trace Elem Med Biol. 2012 Jun;26(2-3):97-101. PMID: 22677543. Coffey AJ et al. A genetic study of Wilson's disease in the United Kingdom. Brain. 2013 May;136(Pt 5):1476-87. PMID: 23518715. Mukherjee S et al. Genetic defects in Indian Wilson disease patients and genotype-phenotype correlation. Parkinsonism Relat Disord. 2014 Jan;20(1):75-81. PMID: 24094725. Shah AB et al. Identification and analysis of mutations in the Wilson disease gene (ATP7B): population frequencies, genotype-phenotype correlation, and functional analyses. Am J Hum Genet. 1997 Aug;61(2):317-28. PMID: 9311736.

Lildballe Lab, Aarhus University Hospital
Classification: Likely pathogenic for Wilson disease. Last evaluated: 2024-08-29. Review status: criteria provided, single submitter. Criteria: ACMG Guidelines, 2015. Collection method: clinical testing. Allele origin: germline. Affected: yes.
Comment: PVS1, PM2

Mayo Clinic Laboratories, Mayo Clinic
Classification: Pathogenic. Last evaluated: 2024-08-12. Review status: criteria provided, single submitter. Criteria: ACMG Guidelines, 2015. Collection method: clinical testing. Allele origin: germline.
Comment: PM2_moderate, PM3, PS3, PVS1_strong

All of Us Research Program, National Institutes of Health
Classification: Pathogenic for Wilson disease. Last evaluated: 2024-07-10. Review status: criteria provided, single submitter. Criteria: ACMG Guidelines, 2015. Collection method: clinical testing. Allele origin: germline. Inheritance: Autosomal recessive inheritance. Observed: 16 variant alleles, 16 heterozygotes.
Comment: This variant causes an A to G nucleotide substitution at the -2 position of intron 11 of the ATP7B gene. This variant has been reported in over ten individuals affected with Wilson disease (PMID: 9311736, 22677543, 23518715, 24094725; ClinVar: SCV000926218.1). In eight affected individuals, this variant has been determined to be homozygous or compound heterozygous with another pathogenic variant in the same gene, indicating that this variant contributes to Wilson disease in an autosomal recessive manner. RT-PCR analysis using cells derived from a homozygous individual revealed that this variant results in two aberrant transcripts, one with entire exon 12 (c.2731-2865; p.911-955) skipped and the other with in-frame insertion of 13 amino acids at the beginning of exon 12 due to the use of a cryptic acceptor site, 39-bp upstream from the native acceptor site (PMID: 9311736). This variant is expected to disrupt functionally important Actuator (phosphatase) domain (a.a. 786 - 917) and transmembrane M3 domain (a.a. 918 - 946). This variant has been identified in 7/279650 chromosomes in the general population by the Genome Aggregation Database (gnomAD). Based on the available evidence, this variant is classified as Pathogenic.

This study involves interpretation of variants in research participants for the purpose of population health screening. Participant phenotype was not available at the time of variant classification. Additional details can be found in publication PMID: 35346344, PMCID: PMC8962531

Baylor Genetics
Classification: Pathogenic for Wilson disease. Last evaluated: 2024-03-28. Review status: criteria provided, single submitter. Criteria: ACMG Guidelines, 2015. Collection method: clinical testing. Allele origin: unknown.

Revvity Omics, Revvity
Classification: Pathogenic for Wilson disease. Last evaluated: 2023-12-04. Review status: criteria provided, single submitter. Criteria: ACMG Guidelines, 2015. Collection method: clinical testing. Allele origin: germline.

Johns Hopkins Genomics, Johns Hopkins University
Classification: Pathogenic for Wilson disease. Last evaluated: 2022-09-08. Review status: criteria provided, single submitter. Criteria: ACMG Guidelines, 2015. Collection method: clinical testing. Allele origin: germline.
Comment: This ATP7B canonical splice site variant (rs367956522) has been reported in the literature in association with Wilson disease. It is rare (<0.1%) in a large population dataset (gnomAD: 7/279650 total alleles; MAF 0.002503%; 0 homozygotes), and has an entry in ClinVar (Variation ID 188725). This variant destroys a canonical splice acceptor site, is predicted to cause abnormal gene splicing, and has supporting functional evidence. We consider this variant to be pathogenic.

NM_000053.4(ATP7B):c.2731-2A>G

Gene: ATP7B (ATPase copper transporting beta; minus strand). Cytogenetic location: 13q14.3.
Variant type: single nucleotide variant.
Coding change: c.2731-2A>G on transcript NM_000053.4 (MANE Select); the canonical splice acceptor site of the intron before coding-DNA position 2731, A replaced by G.
Molecular consequence: splice acceptor variant. On other transcripts: intron variant (3).
Genome position (GRCh38, 1-based): chr13:51,949,798, T>C on the plus strand (A>G on the coding strand, the complement: ATP7B is on the minus strand). VCF-style: chr13-51949798-T-C. GRCh37 (hg19) VCF-style: chr13-52523934-T-C.
Other names: c.2730+209A>G (NM_001406519.1, NM_001406535.1); c.2731-2A>G (NM_001406515.1, NM_001406525.1, NM_001406523.1 and 5 more transcripts); c.2635-2A>G (NM_001406518.1, NM_001406517.1); c.2302-2A>G (NM_001406539.1); c.2149-2A>G (NM_001406544.1); c.2401-2A>G (NM_001406536.1); c.2491-2A>G (NM_001406530.1); c.2245-2A>G (NM_001406541.1, NM_001406546.1, NM_001406542.1); and 10 more.
Identifiers: ClinVar variation 188725 (VCV000188725.50), dbSNP rs367956522, ClinGen allele CA273891.
Genomic context (GRCh38, chr13:51,949,798, plus strand): 5'-ATGATGATAAATGGGACAAAATATCCACTAAACCGGTCAGCCAGCTGCTGAATGGGTGCC[T>C]ATGAAAATAAAACACCAAGACCATGGGAAATTACAACCTATGAAGAAATAAAACACCACA-3'